The following is an entry in ClinVar:

NM_015178.3(RHOBTB2):c.1382G>C (p.Arg461Pro)

Gene: RHOBTB2 (Rho related BTB domain containing 2; plus strand). Cytogenetic location: 8p21.3.
Variant type: single nucleotide variant.
Coding change: c.1382G>C on transcript NM_015178.3 (MANE Select); coding-DNA position 1382, G replaced by C.
Protein change: p.Arg461Pro; replaces arginine 461 with proline.
Molecular consequence: missense variant.
Genome position (GRCh38, 1-based): chr8:23,007,627, G>C. VCF-style: chr8-23007627-G-C. GRCh37 (hg19) VCF-style: chr8-22865140-G-C.
Other names: c.1448G>C, p.Arg483Pro (NM_001160036.2); c.1403G>C, p.Arg468Pro (NM_001160037.2); c.1382G>C, p.Arg461Pro (NM_001374791.1); c.1448G>C (NM_001160036.1); short protein forms R483P, R461P, R468P.
Identifiers: ClinVar variation 1515448 (VCV001515448.6), dbSNP rs1554504663, ClinGen allele CA370568816.
Genomic context (GRCh38, chr8:23,007,627, plus strand): 5'-ACGAGCGTGACCTCATGCACATTGCCCACATTGCTGAGCTGCTCGAGGTCTTTGATCTGC[G>C]CATGATGGTGGCCAACATTCTCAACAATGAGGCCTTCATGAACCAGGAGATCACCAAGGC-3'
Protein context (NP_055993.2, residues 451-471): IAELLEVFDL[Arg461Pro]MMVANILNNE

ClinVar aggregate classification (germline): Conflicting classifications of pathogenicity. Review status: criteria provided, conflicting classifications (1 of 4 stars). 3 submissions from 3 submitters: Pathogenic (1); Likely pathogenic (1); Uncertain significance (1). Last evaluated 2025-07-07.

Conditions:
Developmental and epileptic encephalopathy, 64. Also called: EPILEPTIC ENCEPHALOPATHY, EARLY INFANTILE, 64. Identifiers: MedGen C4693899, MONDO:0033373, OMIM 618004.

Submissions (3):

GeneDx
Classification: Pathogenic. Last evaluated: 2025-07-07. Review status: criteria provided, single submitter. Criteria: GeneDx Variant Classification Process June 2021. Collection method: clinical testing. Allele origin: germline. Affected: yes.
Comment: Not observed at significant frequency in large population cohorts (gnomAD); In silico analysis suggests that this missense variant does not alter protein structure/function; This variant is associated with the following publications: (PMID: 35982159, 33057194)

3billion
Classification: Likely pathogenic for Developmental and epileptic encephalopathy, 64. Last evaluated: 2023-09-01. Review status: criteria provided, single submitter. Criteria: ACMG Guidelines, 2015. Collection method: clinical testing. Allele origin: germline. Affected: yes.
Comment: The variant is not observed in the gnomAD v2.1.1 dataset. Predicted Consequence/Location: Missense changes are a common disease-causing mechanism. In silico tool predictions suggest damaging effect of the variant on gene or gene product [3Cnet: 0.95 (>=0.6, sensitivity 0.72 and precision 0.9)]. A different missense change at the same codon (p.Arg461His) has been reported as pathogenic/likely pathogenic with strong evidence (ClinVar ID: VCV000545417 /PMID: 28856709). Therefore, this variant is classified as Likely pathogenic according to the recommendation of ACMG/AMP guideline.

Labcorp Genetics (formerly Invitae), Labcorp
Classification: Uncertain significance. Last evaluated: 2021-07-26. Review status: criteria provided, single submitter. Criteria: Invitae Variant Classification Sherloc (09022015). Collection method: clinical testing. Allele origin: germline.
Comment: In summary, the available evidence is currently insufficient to determine the role of this variant in disease. Therefore, it has been classified as a Variant of Uncertain Significance. This variant disrupts the p.Arg483 amino acid residue in RHOBTB2. Other variant(s) that disrupt this residue have been determined to be pathogenic (PMID: 28856709, 229276004). This suggests that this residue is clinically significant, and that variants that disrupt this residue are likely to be disease-causing. Algorithms developed to predict the effect of missense changes on protein structure and function are either unavailable or do not agree on the potential impact of this missense change (SIFT: "Deleterious"; PolyPhen-2: "Probably Damaging"; Align-GVGD: "Class C0"). This variant has not been reported in the literature in individuals affected with RHOBTB2-related conditions. This variant is not present in population databases (ExAC no frequency). This sequence change replaces arginine with proline at codon 483 of the RHOBTB2 protein (p.Arg483Pro). The arginine residue is highly conserved and there is a moderate physicochemical difference between arginine and proline.

Literature cited by the submitters: PubMed 28856709 (cited by 3billion and Labcorp Genetics (formerly Invitae), Labcorp); PubMed 229276004 (cited by Labcorp Genetics (formerly Invitae), Labcorp).